The following is an entry in ClinVar:

ClinVar aggregate classification (germline): Pathogenic (1 of 4 stars; one submission).

Submission:

Labcorp Genetics (formerly Invitae), Labcorp
Classification: Pathogenic. Last evaluated: 2025-07-14. Review status: criteria provided, single submitter. Criteria: Invitae Variant Classification Sherloc (09022015). Collection method: clinical testing. Allele origin: germline.
Comment: This sequence change creates a premature translational stop signal (p.Lys1181Thrfs*57) in the BRD4 gene. It is expected to result in an absent or disrupted protein product. Loss-of-function variants in BRD4 are known to be pathogenic (PMID: 11997514, 29379197). This variant is not present in population databases (gnomAD no frequency). This variant has not been reported in the literature in individuals affected with BRD4-related conditions. ClinVar contains an entry for this variant (Variation ID: 2093082). For these reasons, this variant has been classified as Pathogenic.

Literature cited by the submitters: PubMed 11997514; PubMed 29379197.

NM_001379291.1(BRD4):c.3540_3541del (p.Lys1181fs)

Gene: BRD4 (bromodomain containing 4; minus strand). Cytogenetic location: 19p13.12.
Variant type: Deletion.
Coding change: c.3540_3541del on transcript NM_001379291.1 (MANE Select); coding-DNA positions 3540 to 3541, 2 bases deleted (GA; older notation c.3540_3541delGA).
Protein change: p.Lys1181fs; shifts the reading frame from lysine 1181.
Molecular consequence: frameshift variant.
Genome position (GRCh38, 1-based): chr19:15,239,427-15,239,428, TC deleted on the plus strand (GA on the coding strand, the reverse complement: BRD4 is on the minus strand); deleting any 2 consecutive bases within chr19:15,239,427-15,239,429 gives the same sequence; the c. name uses the placement nearest the transcript's 3' end. VCF-style (leftmost placement, unchanged base first): chr19-15239426-TTC-T. GRCh37 (hg19) VCF-style: chr19-15350237-TTC-T.
Other names: c.3540_3541del, p.Lys1181fs (NM_058243.3); short protein forms K1181fs.
Identifiers: ClinVar variation 2093082 (VCV002093082.4), dbSNP rs2512704609, ClinGen allele CA2580096655.
Genomic context (GRCh38, chr19:15,239,426, plus strand): 5'-CGACACCCATGGACCTCCATCCCAACCTTTTTGGGCGCAACTGGAGTCTTCGGCTCCTGT[TTC>T]TGTTTGTCCTTGTCAGGGGCCCCTGGTGGCGGTGCGTTCTGCTCTGGGGGCCGGATCACA-3'